The following is an entry in ClinVar:

NM_007289.4(MME):c.2189C>G (p.Ser730Ter)

Gene: MME (membrane metalloendopeptidase; plus strand). Cytogenetic location: 3q25.2.
Variant type: single nucleotide variant.
Coding change: c.2189C>G on transcript NM_007289.4 (MANE Select); coding-DNA position 2189, C replaced by G.
Protein change: p.Ser730Ter; replaces serine 730 with a stop codon.
Molecular consequence: nonsense.
Genome position (GRCh38, 1-based): chr3:155,180,395, C>G. VCF-style: chr3-155180395-C-G. GRCh37 (hg19) VCF-style: chr3-154898184-C-G.
Other names: c.2189C>G, p.Ser730Ter (NM_000902.5, NM_001354642.2, NM_001354643.1 and 2 more transcripts); short protein forms S730*.
Identifiers: ClinVar variation 2036510 (VCV002036510.4), dbSNP rs1712969845, ClinGen allele CA355219322.

ClinVar aggregate classification (germline): Uncertain significance (1 of 4 stars; one submission).

Submission:

Labcorp Genetics (formerly Invitae), Labcorp
Classification: Uncertain significance. Last evaluated: 2022-10-22. Review status: criteria provided, single submitter. Criteria: Invitae Variant Classification Sherloc (09022015). Collection method: clinical testing. Allele origin: germline.
Comment: In summary, the available evidence is currently insufficient to determine the role of this variant in disease. Therefore, it has been classified as a Variant of Uncertain Significance. This variant disrupts a region of the MME protein in which other variant(s) (p.Arg748Trp) have been observed in individuals with MME-related conditions (PMID: 30415211). This suggests that this is a clinically significant region of the protein, and that variants that disrupt it are likely to be disease-causing. This variant has not been reported in the literature in individuals affected with MME-related conditions. This variant is not present in population databases (gnomAD no frequency). This sequence change creates a premature translational stop signal (p.Ser730*) in the MME gene. While this is not anticipated to result in nonsense mediated decay, it is expected to disrupt the last 21 amino acid(s) of the MME protein.

Literature cited by the submitters: PubMed 30415211.